The following is an entry in ClinVar:

ClinVar aggregate classification (germline): Uncertain significance (1 of 4 stars; one submission).

Submission:

GeneDx
Classification: Uncertain significance. Last evaluated: 2024-04-29. Review status: criteria provided, single submitter. Criteria: GeneDx Variant Classification Process June 2021. Collection method: clinical testing. Allele origin: germline. Affected: yes.
Comment: Not observed at significant frequency in large population cohorts (gnomAD); In-frame deletion of 1 amino acid in a non-repeat region; In silico analysis supports a deleterious effect on protein structure/function; Has not been previously published as pathogenic or benign to our knowledge

NM_006929.5(SKIC2):c.3316GAG[1] (p.Glu1107del)

Gene: SKIC2 (SKI2 subunit of superkiller complex; plus strand). Cytogenetic location: 6p21.33.
Variant type: Microsatellite.
Coding change: c.3316GAG[1] on transcript NM_006929.5 (MANE Select); one copy of the 3-base unit GAG starting at c.3316; the reference has two copies in a row; one copy, 3 bases deleted.
Protein change: p.Glu1107del; deletes glutamic acid 1107.
Genome position (GRCh38, 1-based): chr6:31,969,009-31,969,011, GAG deleted; deleting any 3 consecutive bases within chr6:31,969,006-31,969,011 gives the same sequence; the position shown is the placement nearest the transcript's 3' end. VCF-style (leftmost placement, unchanged base first): chr6-31969005-TGAG-T. GRCh37 (hg19) VCF-style: chr6-31936782-TGAG-T.
Other names: short protein forms E1107del.
Identifiers: ClinVar variation 3372964 (VCV003372964.1).
Genomic context (GRCh38, chr6:31,969,005, plus strand): 5'-CAGCCATGAGTTGCTCCTCACTGAGCTCATGTTTGACAATGCACTGAGCACCCTGCGGCC[TGAG>T]GAGATTGCTGCCTTGCTCTCTGGCCTGGTCTGCCAGAGCCCTGGGGACGCTGGGGATCAG-3'